The following is an entry in ClinVar:

NM_004370.6(COL12A1):c.103A>G (p.Ile35Val)

Gene: COL12A1 (collagen type XII alpha 1 chain; minus strand). Cytogenetic location: 6q13.
Variant type: single nucleotide variant.
Coding change: c.103A>G on transcript NM_004370.6 (MANE Select); coding-DNA position 103, A replaced by G.
Protein change: p.Ile35Val; replaces isoleucine 35 with valine.
Molecular consequence: missense variant. On other transcripts: intron variant (1).
Genome position (GRCh38, 1-based): chr6:75,194,918, T>C on the plus strand (A>G on the coding strand, the complement: COL12A1 is on the minus strand). VCF-style: chr6-75194918-T-C. GRCh37 (hg19) VCF-style: chr6-75904634-T-C.
Other names: c.73+7802A>G (NM_080645.3); short protein forms I35V.
Identifiers: ClinVar variation 834977 (VCV000834977.11), dbSNP rs780247302, ClinGen allele CA3894517.

ClinVar aggregate classification (germline): Uncertain significance. Review status: criteria provided, multiple submitters, no conflicts (2 of 4 stars). 2 submissions from 2 submitters: Uncertain significance (2). Last evaluated 2024-09-30.

Conditions:
Inborn genetic diseases. Identifiers: MedGen C0950123, MeSH D030342.
Ullrich congenital muscular dystrophy 2 (UCMD2). Identifiers: Orphanet 75840, MedGen C4225314, MONDO:0014654, OMIM 616470.
Bethlem myopathy 2 (BTHLM2). Identifiers: Orphanet 536516, Orphanet 610, MedGen C4225313, MONDO:0034022, OMIM 616471.

Allele frequency attached by ClinVar (database versions not stated): gnomAD exomes below 0.00001 and 0.00001; ExAC 0.00001; gnomAD 0.00001; TOPMed 0.00002.
gnomAD v4.1: 4 of 1,607,740 alleles (0.00025%); highest among the groups gnomAD compares: Admixed American, 0.0051%; no homozygotes.

Submissions (2):

Ambry Genetics
Classification: Uncertain significance for Inborn genetic diseases. Last evaluated: 2024-09-30. Review status: criteria provided, single submitter. Criteria: Ambry Variant Classification Scheme 2023. Collection method: clinical testing. Allele origin: germline.

Labcorp Genetics (formerly Invitae), Labcorp
Classification: Uncertain significance for Bethlem myopathy 2; Ullrich congenital muscular dystrophy 2. Last evaluated: 2023-09-20. Review status: criteria provided, single submitter. Criteria: Invitae Variant Classification Sherloc (09022015). Collection method: clinical testing. Allele origin: germline.
Comment: This variant has not been reported in the literature in individuals affected with COL12A1-related conditions. This variant is present in population databases (rs780247302, gnomAD 0.009%). This sequence change replaces isoleucine, which is neutral and non-polar, with valine, which is neutral and non-polar, at codon 35 of the COL12A1 protein (p.Ile35Val). ClinVar contains an entry for this variant (Variation ID: 834977). In summary, the available evidence is currently insufficient to determine the role of this variant in disease. Therefore, it has been classified as a Variant of Uncertain Significance. Advanced modeling of protein sequence and biophysical properties (such as structural, functional, and spatial information, amino acid conservation, physicochemical variation, residue mobility, and thermodynamic stability) performed at Invitae indicates that this missense variant is not expected to disrupt COL12A1 protein function.